The following is an entry in ClinVar:

NM_004369.4(COL6A3):c.7898T>G (p.Phe2633Cys)

Gene: COL6A3 (collagen type VI alpha 3 chain; minus strand). Cytogenetic location: 2q37.3.
Variant type: single nucleotide variant.
Coding change: c.7898T>G on transcript NM_004369.4 (MANE Select); coding-DNA position 7898, T replaced by G.
Protein change: p.Phe2633Cys; replaces phenylalanine 2633 with cysteine.
Molecular consequence: missense variant.
Genome position (GRCh38, 1-based): chr2:237,341,018, A>C on the plus strand (T>G on the coding strand, the complement: COL6A3 is on the minus strand). VCF-style: chr2-237341018-A-C. GRCh37 (hg19) VCF-style: chr2-238249661-A-C.
Other names: c.6077T>G, p.Phe2026Cys (NM_057166.5); c.7280T>G, p.Phe2427Cys (NM_057167.4); short protein forms F2026C, F2427C, F2633C.
Identifiers: ClinVar variation 2440432 (VCV002440432.7), dbSNP rs773192776, ClinGen allele CA2187666.

ClinVar aggregate classification (germline): Uncertain significance. Review status: criteria provided, multiple submitters, no conflicts (2 of 4 stars). 3 submissions from 3 submitters: Uncertain significance (3). Last evaluated 2025-09-22.

Conditions:
Inborn genetic diseases. Identifiers: MedGen C0950123, MeSH D030342.
Bethlem myopathy 1A. Also called: MYOPATHY, BENIGN CONGENITAL, WITH CONTRACTURES; Bethlem myopathy 1; Bethlem Muscular Dystrophy. Identifiers: Orphanet 610, MedGen CN029274, MONDO:0024530, OMIM 158810.

Allele frequency attached by ClinVar (database versions not stated): ExAC 0.00001.
gnomAD v4.1: 2 of 1,614,136 alleles (0.00012%); highest among the groups gnomAD compares: Admixed American, 0.0017%; no homozygotes.

Submissions (3):

Labcorp Genetics (formerly Invitae), Labcorp
Classification: Uncertain significance for Bethlem myopathy 1A. Last evaluated: 2025-09-22. Review status: criteria provided, single submitter. Criteria: Invitae Variant Classification Sherloc (09022015). Collection method: clinical testing. Allele origin: germline.
Comment: This sequence change replaces phenylalanine, which is neutral and non-polar, with cysteine, which is neutral and slightly polar, at codon 2633 of the COL6A3 protein (p.Phe2633Cys). This variant is present in population databases (rs773192776, gnomAD 0.003%). This variant has not been reported in the literature in individuals affected with COL6A3-related conditions. ClinVar contains an entry for this variant (Variation ID: 2440432). Invitae Evidence Modeling of protein sequence and biophysical properties (such as structural, functional, and spatial information, amino acid conservation, physicochemical variation, residue mobility, and thermodynamic stability) indicates that this missense variant is not expected to disrupt COL6A3 protein function with a negative predictive value of 80%. In summary, the available evidence is currently insufficient to determine the role of this variant in disease. Therefore, it has been classified as a Variant of Uncertain Significance.

Ambry Genetics
Classification: Uncertain significance for Inborn genetic diseases. Last evaluated: 2025-08-12. Review status: criteria provided, single submitter. Criteria: Ambry Variant Classification Scheme 2023. Collection method: clinical testing. Allele origin: germline.

Revvity Omics, Revvity
Classification: Uncertain significance. Last evaluated: 2022-03-17. Review status: criteria provided, single submitter. Criteria: ACMG Guidelines, 2015. Collection method: clinical testing. Allele origin: germline.